The following is an entry in ClinVar:

NM_004982.4(KCNJ8):c.387T>C (p.Ser129=)

Genes: KCNJ8 (potassium inwardly rectifying channel subfamily J member 8; minus strand), KCNJ8-AS1 (KCNJ8 antisense RNA 1; plus strand). Cytogenetic location: 12p12.1.
Variant type: single nucleotide variant.
Coding change: c.387T>C on transcript NM_004982.4 (MANE Select); coding-DNA position 387, T replaced by C.
Protein change: p.Ser129=; no amino-acid change (serine 129 retained).
Molecular consequence: synonymous variant.
Genome position (GRCh38, 1-based): chr12:21,766,611, A>G on the plus strand (T>C on the coding strand, the complement: KCNJ8 is on the minus strand). VCF-style: chr12-21766611-A-G. GRCh37 (hg19) VCF-style: chr12-21919545-A-G.
Other names: p.Ser129=.
Identifiers: ClinVar variation 1735804 (VCV001735804.5), dbSNP rs750398506, ClinGen allele CA6480684.

ClinVar aggregate classification (germline): Likely benign. Review status: criteria provided, multiple submitters, no conflicts (2 of 4 stars). 3 submissions from 3 submitters: Likely benign (3). Last evaluated 2025-10-21.

Conditions:
Brugada syndrome. Also called: Sudden unexpected nocturnal death syndrome; Sudden unexplained nocturnal death syndrome; Sudden Unexplained Death Syndrome; Sudden Unexplained Nocturnal Death Syndrome (SUNDS). Identifiers: Orphanet 130, MedGen C1142166, MONDO:0015263.
Cardiovascular phenotype. Identifiers: MedGen CN230736.

Allele frequency attached by ClinVar (database versions not stated): gnomAD exomes 0.00002; ExAC 0.00004.
gnomAD v4.1: 11 of 1,599,372 alleles (0.00069%); highest among the groups gnomAD compares: Non-Finnish European, 0.00093%; no homozygotes.

Submissions (3):

Mayo Clinic Laboratories, Mayo Clinic
Classification: Likely benign. Last evaluated: 2025-10-21. Review status: criteria provided, single submitter. Criteria: ACMG Guidelines, 2015. Collection method: clinical testing. Allele origin: germline. Observed: 1 variant allele.
Comment: BP4, BP7

Labcorp Genetics (formerly Invitae), Labcorp
Classification: Likely benign for Brugada syndrome. Last evaluated: 2025-02-17. Review status: criteria provided, single submitter. Criteria: Invitae Variant Classification Sherloc (09022015). Collection method: clinical testing. Allele origin: germline.

Ambry Genetics
Classification: Likely benign for Cardiovascular phenotype. Last evaluated: 2020-01-26. Review status: criteria provided, single submitter. Criteria: Ambry Variant Classification Scheme 2023. Collection method: clinical testing. Allele origin: germline.